The following is an entry in ClinVar:

ClinVar aggregate classification (germline): Likely benign. Review status: criteria provided, multiple submitters, no conflicts (2 of 4 stars). 2 submissions from 2 submitters: Likely benign (2). Last evaluated 2026-09-25.

Conditions:
CDK5-related disorder. Also called: CDK5-related condition.

Allele frequency attached by ClinVar (database versions not stated): gnomAD exomes 0.00001; ExAC 0.00003; TOPMed 0.00003; gnomAD 0.00004.
gnomAD v4.1: 25 of 1,613,620 alleles (0.0015%); highest among the groups gnomAD compares: Admixed American, 0.0067%; no homozygotes.

Submissions (2):

PreventionGenetics, part of Exact Sciences
Classification: Likely benign for CDK5-related condition. Last evaluated: 2026-09-25. Review status: criteria provided, single submitter. Criteria: ACMG Guidelines, 2015. Collection method: clinical testing. Allele origin: germline.
Comment: This variant is classified as likely benign based on ACMG/AMP sequence variant interpretation guidelines (Richards et al. 2015 PMID: 25741868, with internal and published modifications).

Labcorp Genetics (formerly Invitae), Labcorp
Classification: Likely benign. Last evaluated: 2026-01-03. Review status: criteria provided, single submitter. Criteria: Invitae Variant Classification Sherloc (09022015). Collection method: clinical testing. Allele origin: germline.

NM_004935.4(CDK5):c.729G>A (p.Pro243=)

Gene: CDK5 (cyclin dependent kinase 5; minus strand). Cytogenetic location: 7q36.1.
Variant type: single nucleotide variant.
Coding change: c.729G>A on transcript NM_004935.4 (MANE Select); coding-DNA position 729, G replaced by A.
Protein change: p.Pro243=; no amino-acid change (proline 243 retained).
Molecular consequence: synonymous variant.
Genome position (GRCh38, 1-based): chr7:151,054,275, C>T on the plus strand (G>A on the coding strand, the complement: CDK5 is on the minus strand). VCF-style: chr7-151054275-C-T. GRCh37 (hg19) VCF-style: chr7-150751362-C-T.
Other names: c.729G>A (NM_004935.3); c.633G>A, p.Pro211= (NM_001164410.3).
Identifiers: ClinVar variation 2084412 (VCV002084412.5), dbSNP rs754772887, ClinGen allele CA4570379.